The following is an entry in ClinVar:

ClinVar aggregate classification (germline): Conflicting classifications of pathogenicity. Review status: criteria provided, conflicting classifications (1 of 4 stars). 5 submissions from 4 submitters: Uncertain significance (1); Benign (2); Likely benign (2). Last evaluated 2025-11-11.

Conditions:
Hereditary spherocytosis type 1. Also called: Spherocytosis type 1; ANK1-Related Spherocytosis. Identifiers: Orphanet 822, MedGen C2674218, MONDO:0008447, OMIM 182900.
Spherocytosis. Identifiers: MedGen C0553720, HP:0004444.

Allele frequency attached by ClinVar (database versions not stated): gnomAD exomes 0.00010 and 0.00016; ExAC 0.00022; ESP Exome Variant Server 0.00092; gnomAD 0.00099 and 0.00102; 1000 Genomes Project 30x 0.00109; TOPMed 0.00114; 1000 Genomes Project 0.00120.
gnomAD v4.1: 288 of 1,614,092 alleles (0.018%); highest among the groups gnomAD compares: African/African-American, 0.37%; no homozygotes.

Submissions (5):

Labcorp Genetics (formerly Invitae), Labcorp
Classification: Benign. Last evaluated: 2025-11-11. Review status: criteria provided, single submitter. Criteria: Invitae Variant Classification Sherloc (09022015). Collection method: clinical testing. Allele origin: germline.

ARUP Laboratories, Molecular Genetics and Genomics, ARUP Laboratories
Classification: Benign for Hereditary spherocytosis type 1. Last evaluated: 2025-06-19. Review status: criteria provided, single submitter. Criteria: ARUP Molecular Germline Variant Investigation Process 2024. Collection method: clinical testing. Allele origin: germline.

CeGaT Center for Human Genetics Tuebingen
Classification: Likely benign. Last evaluated: 2025-04-01. Review status: criteria provided, single submitter. Criteria: CeGaT Center For Human Genetics Tuebingen Variant Classification Criteria Version 2. Collection method: clinical testing. Allele origin: germline. Affected: yes. Observed: 1 variant allele.
Comment: ANK1: BP4, BP7

Illumina Laboratory Services, Illumina
Classification: Likely benign for Hereditary spherocytosis type 1. Last evaluated: 2018-01-13. Review status: criteria provided, single submitter. Criteria: ICSL Variant Classification Criteria 13 December 2019. Collection method: clinical testing. Allele origin: germline.
Comment: This variant was observed in the ICSL laboratory as part of a predisposition screen in an ostensibly healthy population. It had not been previously curated by ICSL or reported in the Human Gene Mutation Database (HGMD: prior to June 1st, 2018), and was therefore a candidate for classification through an automated scoring system. Utilizing variant allele frequency, disease prevalence and penetrance estimates, and inheritance mode, an automated score was calculated to assess if this variant is too frequent to cause the disease. Based on the score and internal cut-off values, a variant classified as likely benign is not then subjected to further curation. The score for this variant resulted in a classification of likely benign for this disease.

Illumina Laboratory Services, Illumina
Classification: Uncertain significance for Spherocytosis. Last evaluated: 2018-01-13. Review status: criteria provided, single submitter. Criteria: ICSL Variant Classification Criteria 13 December 2019. Collection method: clinical testing. Allele origin: germline.

NM_000037.4(ANK1):c.2589C>T (p.Pro863=)

Gene: ANK1 (ankyrin 1; minus strand). Cytogenetic location: 8p11.21.
Variant type: single nucleotide variant.
Coding change: c.2589C>T on transcript NM_000037.4 (MANE Select); coding-DNA position 2589, C replaced by T.
Protein change: p.Pro863=; no amino-acid change (proline 863 retained).
Molecular consequence: synonymous variant.
Genome position (GRCh38, 1-based): chr8:41,698,091, G>A on the plus strand (C>T on the coding strand, the complement: ANK1 is on the minus strand). VCF-style: chr8-41698091-G-A. GRCh37 (hg19) VCF-style: chr8-41555609-G-A.
Other names: c.2712C>T, p.Pro904= (NM_001142446.2); c.2589C>T, p.Pro863= (NM_020475.3, NM_020476.3, NM_020477.3).
Identifiers: ClinVar variation 724099 (VCV000724099.19), dbSNP rs114870847, ClinGen allele CA4728168.